The following is an entry in ClinVar:

ClinVar aggregate classification (germline): Uncertain significance (1 of 4 stars; one submission).

Conditions:
CDK8-related disorder. Also called: CDK8-related condition.

Allele frequency attached by ClinVar (database versions not stated): gnomAD exomes below 0.00001.
gnomAD v4.1: 1 of 1,614,180 alleles (0.000062%); highest among the groups gnomAD compares: South Asian, 0.0011%; no homozygotes.

Submission:

PreventionGenetics, part of Exact Sciences
Classification: Uncertain significance for CDK8-related condition. Last evaluated: 2023-10-02. Review status: criteria provided, single submitter. Criteria: ACMG Guidelines, 2015. Collection method: clinical testing. Allele origin: germline.
Comment: The CDK8 c.1159C>T variant is predicted to result in the amino acid substitution p.His387Tyr. To our knowledge, this variant has not been reported in the literature or in a large population database, indicating this variant is rare. At this time, the clinical significance of this variant is uncertain due to the absence of conclusive functional and genetic evidence.

NM_001260.3(CDK8):c.1159C>T (p.His387Tyr)

Gene: CDK8 (cyclin dependent kinase 8; plus strand). Cytogenetic location: 13q12.13.
Variant type: single nucleotide variant.
Coding change: c.1159C>T on transcript NM_001260.3 (MANE Select); coding-DNA position 1159, C replaced by T.
Protein change: p.His387Tyr; replaces histidine 387 with tyrosine.
Molecular consequence: missense variant.
Genome position (GRCh38, 1-based): chr13:26,401,514, C>T. VCF-style: chr13-26401514-C-T. GRCh37 (hg19) VCF-style: chr13-26975651-C-T.
Other names: c.1156C>T, p.His386Tyr (NM_001318368.2); c.640C>T, p.His214Tyr (NM_001346501.2); short protein forms H214Y, H386Y, H387Y.
Identifiers: ClinVar variation 2630804 (VCV002630804.1), dbSNP rs2542450009, ClinGen allele CA387686251.
Genomic context (GRCh38, chr13:26,401,514, plus strand): 5'-TAACCAATTGAGAAGAACCAGCAGCAGCAGCAGGGCAATAACCACACTAATGGAACTGGC[C>T]ACCCAGGGAATCAAGACAGCAGTCACACACAGGGACCCCCGTTGAAGAAAGTGAGAGTTG-3'
Protein context (NP_001251.1, residues 377-397): QGNNHTNGTG[His387Tyr]PGNQDSSHTQ